The following is an entry in ClinVar:

ClinVar aggregate classification (germline): Likely pathogenic. Review status: criteria provided, multiple submitters, no conflicts (2 of 4 stars). 2 submissions from 2 submitters: Likely pathogenic (2). Last evaluated 2025-03-28.

Conditions:
Multiple endocrine neoplasia, type 1 (MEN1). Also called: MEN I; WERMER SYNDROME; MEA I; Endocrine adenomatosis multiple; MEN 1. Identifiers: Orphanet 652, MedGen C0025267, MeSH D018761, MONDO:0007540, OMIM 131100.
Hereditary cancer-predisposing syndrome. Also called: Hereditary neoplastic syndrome; Tumor predisposition; Neoplastic Syndromes, Hereditary; Hereditary Cancer Syndrome. Identifiers: Orphanet 140162, MedGen C0027672, MeSH D009386, MONDO:0015356.

Submissions (2):

Revvity Omics, Revvity
Classification: Likely pathogenic for Multiple endocrine neoplasia, type 1. Last evaluated: 2025-03-28. Review status: criteria provided, single submitter. Criteria: ACMG Guidelines, 2015. Collection method: clinical testing. Allele origin: germline.

Ambry Genetics
Classification: Likely pathogenic for Hereditary cancer-predisposing syndrome. Last evaluated: 2023-02-01. Review status: criteria provided, single submitter. Criteria: Ambry Variant Classification Scheme 2023. Collection method: clinical testing. Allele origin: germline.
Comment: The p.F144C variant (also known as c.431T>G), located in coding exon 1 of the MEN1 gene, results from a T to G substitution at nucleotide position 431. The phenylalanine at codon 144 is replaced by cysteine, an amino acid with highly dissimilar properties. This alteration has been observed in at least one individual with a personal history that is consistent with MEN1-related disease (Ambry internal data). This alteration was also identified in an individual with clinical features of MEN1 (Verg&egrave;s B et al. J Clin Endocrinol Metab, 2002 Feb;87:457-65). This amino acid position is highly conserved in available vertebrate species. In addition, this alteration is predicted to be deleterious by in silico analysis. Based on the majority of available evidence to date, this variant is likely to be pathogenic.

Literature cited by the submitters: PubMed 11836268 (cited by Ambry Genetics).

NM_001370259.2(MEN1):c.431T>G (p.Phe144Cys)

Gene: MEN1 (menin 1; minus strand). Cytogenetic location: 11q13.1.
Variant type: single nucleotide variant.
Coding change: c.431T>G on transcript NM_001370259.2 (MANE Select); coding-DNA position 431, T replaced by G.
Protein change: p.Phe144Cys; replaces phenylalanine 144 with cysteine.
Molecular consequence: missense variant. On other transcripts: non-coding transcript variant (4).
Genome position (GRCh38, 1-based): chr11:64,809,679, A>C on the plus strand (T>G on the coding strand, the complement: MEN1 is on the minus strand). VCF-style: chr11-64809679-A-C. GRCh37 (hg19) VCF-style: chr11-64577151-A-C.
Other names: c.431T>G, p.Phe144Cys (NM_001407145.1, NM_001407146.1, NM_001407147.1 and 20 more transcripts); short protein forms F144C.
Identifiers: ClinVar variation 2450225 (VCV002450225.3), dbSNP rs2136178004, ClinGen allele CA381186712.